The following is an entry in ClinVar:

NM_022051.3(EGLN1):c.1142C>G (p.Ala381Gly)

Gene: EGLN1 (egl-9 family hypoxia inducible factor 1; minus strand). Cytogenetic location: 1q42.2.
Variant type: single nucleotide variant.
Coding change: c.1142C>G on transcript NM_022051.3 (MANE Select); coding-DNA position 1142, C replaced by G.
Protein change: p.Ala381Gly; replaces alanine 381 with glycine.
Molecular consequence: missense variant. On other transcripts: intron variant (1).
Genome position (GRCh38, 1-based): chr1:231,370,568, G>C on the plus strand (C>G on the coding strand, the complement: EGLN1 is on the minus strand). VCF-style: chr1-231370568-G-C. GRCh37 (hg19) VCF-style: chr1-231506314-G-C.
Other names: c.1142C>G, p.Ala381Gly (NM_001377260.1); c.1012-2932C>G (NM_001377261.1); short protein forms A381G.
Identifiers: ClinVar variation 3274796 (VCV003274796.1).

ClinVar aggregate classification (germline): Uncertain significance (1 of 4 stars; one submission).

gnomAD v4.1: 1 of 1,613,608 alleles (0.000062%); highest among the groups gnomAD compares: Non-Finnish European, 0.000085%; no homozygotes.

Submission:

Ambry Genetics
Classification: Uncertain significance. Last evaluated: 2024-06-05. Review status: criteria provided, single submitter. Criteria: Ambry Variant Classification Scheme 2023. Collection method: clinical testing. Allele origin: germline.
Comment: The p.A381G variant (also known as c.1142C>G), located in coding exon 3 of the EGLN1 gene, results from a C to G substitution at nucleotide position 1142. The alanine at codon 381 is replaced by glycine, an amino acid with similar properties. This amino acid position is conserved. In addition, this alteration is predicted to be tolerated by in silico analysis. Based on the available evidence, the clinical significance of this variant remains unclear.